The following is an entry in ClinVar:

NM_000059.4(BRCA2):c.3932A>C (p.Glu1311Ala)

Gene: BRCA2 (BRCA2 DNA repair associated; plus strand). Cytogenetic location: 13q13.1.
Variant type: single nucleotide variant.
Coding change: c.3932A>C on transcript NM_000059.4 (MANE Select); coding-DNA position 3932, A replaced by C.
Protein change: p.Glu1311Ala; replaces glutamic acid 1311 with alanine.
Molecular consequence: missense variant. On other transcripts: non-coding transcript variant (1), intron variant (2).
Genome position (GRCh38, 1-based): chr13:32,338,287, A>C. VCF-style: chr13-32338287-A-C. GRCh37 (hg19) VCF-style: chr13-32912424-A-C.
Other names: c.3932A>C, p.Glu1311Ala (NM_001406719.1, NM_001406720.1); c.1909+4900A>C (NM_001406721.1); c.425-6271A>C (NM_001406722.1); short protein forms E1311A.
Identifiers: ClinVar variation 3020015 (VCV003020015.3), dbSNP rs1593900953, ClinGen allele CA387778850.

ClinVar aggregate classification (germline): Uncertain significance (1 of 4 stars; one submission).

Conditions:
Hereditary breast ovarian cancer syndrome. Also called: Hereditary breast and ovarian cancer syndrome (HBOC); Breast and ovarian cancer; Hereditary breast and ovarian cancer; BRCA1- and BRCA2-Associated Hereditary Breast and Ovarian Cancer; Hereditary breast and ovarian cancer syndrome; Hereditary breast and/or ovarian cancer syndrome. Identifiers: Orphanet 145, MedGen C0677776, MeSH D061325, MONDO:0003582. Disease mechanism: loss of function.

Submission:

Labcorp Genetics (formerly Invitae), Labcorp
Classification: Uncertain significance for Hereditary breast ovarian cancer syndrome. Last evaluated: 2024-04-30. Review status: criteria provided, single submitter. Criteria: Invitae Variant Classification Sherloc (09022015). Collection method: clinical testing. Allele origin: germline.
Comment: This sequence change replaces glutamic acid, which is acidic and polar, with alanine, which is neutral and non-polar, at codon 1311 of the BRCA2 protein (p.Glu1311Ala). This variant is not present in population databases (gnomAD no frequency). This variant has not been reported in the literature in individuals affected with BRCA2-related conditions. Advanced modeling of protein sequence and biophysical properties (such as structural, functional, and spatial information, amino acid conservation, physicochemical variation, residue mobility, and thermodynamic stability) performed at Invitae indicates that this missense variant is not expected to disrupt BRCA2 protein function with a negative predictive value of 95%. In summary, the available evidence is currently insufficient to determine the role of this variant in disease. Therefore, it has been classified as a Variant of Uncertain Significance.